The following is an entry in ClinVar:

NM_173546.3(KLHDC8B):c.909C>G (p.Ser303Arg)

Gene: KLHDC8B (kelch domain containing 8B; plus strand). Cytogenetic location: 3p21.31.
Variant type: single nucleotide variant.
Coding change: c.909C>G on transcript NM_173546.3 (MANE Select); coding-DNA position 909, C replaced by G.
Protein change: p.Ser303Arg; replaces serine 303 with arginine.
Molecular consequence: missense variant.
Genome position (GRCh38, 1-based): chr3:49,175,645, C>G. VCF-style: chr3-49175645-C-G. GRCh37 (hg19) VCF-style: chr3-49213078-C-G.
Other names: short protein forms S303R.
Identifiers: ClinVar variation 3682148 (VCV003682148.2).
Genomic context (GRCh38, chr3:49,175,645, plus strand): 5'-CTTCTCTCTCCTTCTTGCAGGAAACCAGCCATGTCCTTTGGGCTCTGTGGAGAGCTTTAG[C>G]CTTGCACGGCGGCGCTGGGAGGCATTGCCTGCCATGCCCACTGCCCGCTGCTCCTGCTCT-3'
Protein context (NP_775817.1, residues 293-313): PCPLGSVESF[Ser303Arg]LARRRWEALP

ClinVar aggregate classification (germline): Uncertain significance (1 of 4 stars; one submission).

Submission:

Labcorp Genetics (formerly Invitae), Labcorp
Classification: Uncertain significance. Last evaluated: 2025-11-03. Review status: criteria provided, single submitter. Criteria: Invitae Variant Classification Sherloc (09022015). Collection method: clinical testing. Allele origin: germline.
Comment: This sequence change replaces serine, which is neutral and polar, with arginine, which is basic and polar, at codon 303 of the KLHDC8B protein (p.Ser303Arg). This variant is not present in population databases (gnomAD no frequency). This variant has not been reported in the literature in individuals affected with KLHDC8B-related conditions. ClinVar contains an entry for this variant (Variation ID: 3682148). An algorithm developed to predict the effect of missense changes on protein structure and function (PolyPhen-2) suggests that this variant is likely to be disruptive. In summary, the available evidence is currently insufficient to determine the role of this variant in disease. Therefore, it has been classified as a Variant of Uncertain Significance.